The following is an entry in ClinVar:

NM_000059.4(BRCA2):c.1011C>T (p.Asn337=)

Gene: BRCA2 (BRCA2 DNA repair associated; plus strand). Cytogenetic location: 13q13.1.
Variant type: single nucleotide variant.
Coding change: c.1011C>T on transcript NM_000059.4 (MANE Select); coding-DNA position 1011, C replaced by T.
Protein change: p.Asn337=; no amino-acid change (asparagine 337 retained).
Molecular consequence: synonymous variant.
Genome position (GRCh38, 1-based): chr13:32,332,489, C>T. VCF-style: chr13-32332489-C-T. GRCh37 (hg19) VCF-style: chr13-32906626-C-T.
Other names: 1239C/T; NP_000050.3:p.Asn337=; p.Asn337=.
Identifiers: ClinVar variation 51045 (VCV000051045.78), dbSNP rs41293473, ClinGen allele CA010305.

ClinVar aggregate classification (germline): Likely benign. Review status: reviewed by expert panel (3 of 4 stars). 25 submissions from 24 submitters: Likely benign (1). 24 of the submissions do not count toward it. Last evaluated 2017-06-29.

Conditions:
BRCA2-related disorder. Also called: BRCA2-related condition; BRCA2-related disorders. Identifiers: MedGen CN239275.
Breast and/or ovarian cancer. Identifiers: MedGen CN221562.
Hereditary cancer-predisposing syndrome. Also called: Hereditary Cancer Syndrome; Tumor predisposition; Neoplastic Syndromes, Hereditary; Hereditary neoplastic syndrome. Identifiers: Orphanet 140162, MedGen C0027672, MeSH D009386, MONDO:0015356.
Hereditary breast ovarian cancer syndrome. Also called: Breast and ovarian cancer; BRCA1- and BRCA2-Associated Hereditary Breast and Ovarian Cancer; Hereditary breast and ovarian cancer; Hereditary breast and ovarian cancer syndrome (HBOC); Hereditary breast and ovarian cancer syndrome; Hereditary breast and/or ovarian cancer syndrome. Identifiers: Orphanet 145, MedGen C0677776, MeSH D061325, MONDO:0003582. Disease mechanism: loss of function.
Breast-ovarian cancer, familial, susceptibility to, 2 (BROVCA2). Also called: BRCA2 Hereditary Breast and Ovarian Cancer. Identifiers: Orphanet 145, MedGen C2675520, MONDO:0012933, OMIM 612555. Disease mechanism: loss of function.
Familial cancer of breast. Also called: BREAST CANCER, FAMILIAL; hereditary breast carcinoma; Hereditary breast cancer. Identifiers: Orphanet 227535, MedGen C0346153, MONDO:0016419, OMIM 114480. Disease mechanism: loss of function.
Malignant tumor of breast. Also called: Malignant breast neoplasm; Cancer breast. Identifiers: MedGen C0006142, MONDO:0007254. Disease mechanism: loss of function.

Allele frequency attached by ClinVar (database versions not stated): ExAC 0.00003; gnomAD exomes 0.00003 and 0.00004; gnomAD 0.00006 and 0.00007; TOPMed 0.00009; 1000 Genomes Project 30x 0.00016; 1000 Genomes Project 0.00020.
gnomAD v4.1: 71 of 1,608,174 alleles (0.0044%); highest among the groups gnomAD compares: Middle Eastern, 0.05%; 1 homozygote.

Submissions (25):

Evidence-based Network for the Interpretation of Germline Mutant Alleles (ENIGMA)
Classification: Likely benign for Breast-ovarian cancer, familial, susceptibility to, 2. Last evaluated: 2017-06-29. Review status: reviewed by expert panel. Criteria: ENIGMA BRCA1/2 Classification Criteria (2017-06-29). Collection method: curation. Allele origin: germline.
Comment: Synonymous substitution variant, with low bioinformatic likelihood to result in a splicing aberration (Splicing prior probability 0.02).

Labcorp Genetics (formerly Invitae), Labcorp
Classification: Benign for Hereditary breast ovarian cancer syndrome. Last evaluated: 2026-02-04. Review status: criteria provided, single submitter. Criteria: Invitae Variant Classification Sherloc (09022015). Collection method: clinical testing. Allele origin: germline. Not counted in ClinVar's aggregate classification.

Quest Diagnostics Nichols Institute San Juan Capistrano
Classification: Likely benign. Last evaluated: 2025-10-06. Review status: criteria provided, single submitter. Criteria: Quest Diagnostics criteria. Collection method: clinical testing. Allele origin: unknown. Not counted in ClinVar's aggregate classification.

Center for Genomic Medicine, Rigshospitalet, Copenhagen University Hospital
Classification: Likely benign. Last evaluated: 2025-03-04. Review status: criteria provided, single submitter. Criteria: ACMG Guidelines, 2015. Collection method: clinical testing. Allele origin: germline. Not counted in ClinVar's aggregate classification.

KCCC/NGS Laboratory, Kuwait Cancer Control Center
Classification: Benign for Familial cancer of breast. Last evaluated: 2025-02-01. Review status: criteria provided, single submitter. Criteria: ACMG Guidelines, 2015. Collection method: clinical testing. Allele origin: germline. Affected: no. Not counted in ClinVar's aggregate classification.

Mayo Clinic Laboratories, Mayo Clinic
Classification: Likely benign. Last evaluated: 2024-10-17. Review status: criteria provided, single submitter. Criteria: ACMG Guidelines, 2015. Collection method: clinical testing. Allele origin: germline. Observed: 2 variant alleles. Not counted in ClinVar's aggregate classification.
Comment: BS1_supporting, BP1_strong

Blueprint Genetics
Classification: Likely benign. Last evaluated: 2024-09-16. Review status: criteria provided, single submitter. Criteria: ACMG Guidelines, 2015. Collection method: clinical testing. Allele origin: germline. Not counted in ClinVar's aggregate classification.

CeGaT Center for Human Genetics Tuebingen
Classification: Likely benign. Last evaluated: 2024-07-01. Review status: criteria provided, single submitter. Criteria: CeGaT Center For Human Genetics Tuebingen Variant Classification Criteria Version 2. Collection method: clinical testing. Allele origin: germline. Affected: yes. Observed: 1 variant allele. Not counted in ClinVar's aggregate classification.
Comment: BRCA2: BP4, BP7

KCCC/NGS Laboratory, Kuwait Cancer Control Center
Classification: Likely benign for Breast-ovarian cancer, familial, susceptibility to, 2. Last evaluated: 2023-07-07. Review status: criteria provided, single submitter. Criteria: ACMG Guidelines, 2015. Collection method: clinical testing. Allele origin: germline. Affected: yes. Not counted in ClinVar's aggregate classification.

National Health Laboratory Service, Universitas Academic Hospital and University of the Free State
Classification: Likely benign for Hereditary breast ovarian cancer syndrome. Last evaluated: 2022-04-19. Review status: criteria provided, single submitter. Criteria: ACMG Guidelines, 2015. Collection method: clinical testing. Allele origin: germline. Affected: yes. Observed: 9 variant alleles. Not counted in ClinVar's aggregate classification.

CHEO Genetics Diagnostic Laboratory, Children's Hospital of Eastern Ontario
Classification: Likely benign for Breast and/or ovarian cancer. Last evaluated: 2022-04-14. Review status: criteria provided, single submitter. Criteria: ACMG Guidelines, 2015. Collection method: clinical testing. Allele origin: germline. Not counted in ClinVar's aggregate classification.

Sema4
Classification: Likely benign for Hereditary cancer-predisposing syndrome. Last evaluated: 2022-01-12. Review status: criteria provided, single submitter. Criteria: Sema4 Curation Guidelines. Collection method: curation. Allele origin: germline. Not counted in ClinVar's aggregate classification.

Women's Health and Genetics/Laboratory Corporation of America, LabCorp
Classification: Likely benign. Last evaluated: 2020-07-09. Review status: criteria provided, single submitter. Criteria: LabCorp Variant Classification Summary - May 2015. Collection method: clinical testing. Allele origin: germline. Not counted in ClinVar's aggregate classification.

Baylor Genetics
Classification: Benign for Familial cancer of breast. Last evaluated: 2017-02-23. Review status: criteria provided, single submitter. Criteria: ACMG Guidelines, 2015. Collection method: clinical testing. Allele origin: germline. Inheritance: Autosomal dominant inheritance. Affected: no. Not counted in ClinVar's aggregate classification.

Color Diagnostics, LLC DBA Color Health
Classification: Likely benign for Hereditary cancer-predisposing syndrome. Last evaluated: 2016-04-21. Review status: criteria provided, single submitter. Criteria: ACMG Guidelines, 2015. Collection method: clinical testing. Allele origin: germline. Not counted in ClinVar's aggregate classification.

GeneDx
Classification: Benign. Last evaluated: 2015-04-15. Review status: criteria provided, single submitter. Criteria: GeneDx Variant Classification (06012015). Collection method: clinical testing. Allele origin: germline. Affected: yes. Not counted in ClinVar's aggregate classification.
Comment: This variant is considered likely benign or benign based on one or more of the following criteria: it is a conservative change, it occurs at a poorly conserved position in the protein, it is predicted to be benign by multiple in silico algorithms, and/or has population frequency not consistent with disease.

Eurofins Ntd Llc (ga)
Classification: Uncertain significance. Last evaluated: 2015-01-08. Review status: criteria provided, single submitter. Criteria: EGL Classification Definitions 2015. Collection method: clinical testing. Allele origin: germline. Observed: 1 variant allele, 1 heterozygote. Not counted in ClinVar's aggregate classification.

Ambry Genetics
Classification: Likely benign for Hereditary cancer-predisposing syndrome. Last evaluated: 2014-09-22. Review status: criteria provided, single submitter. Criteria: Ambry Variant Classification Scheme 2023. Collection method: clinical testing. Allele origin: germline. Not counted in ClinVar's aggregate classification.

Breakthrough Genomics
Classification: Likely benign. Review status: criteria provided, single submitter. Criteria: ACMG Guidelines, 2015. Collection method: not provided. Allele origin: germline. Inheritance: Autosomal recessive inheritance. Affected: yes. Not counted in ClinVar's aggregate classification.

PreventionGenetics, part of Exact Sciences
Classification: Likely benign for BRCA2-related condition. Last evaluated: 2019-06-12. Review status: no assertion criteria provided. Collection method: clinical testing. Allele origin: germline. Not counted in ClinVar's aggregate classification.
Comment: This variant is classified as likely benign based on ACMG/AMP sequence variant interpretation guidelines (Richards et al. 2015 PMID: 25741868, with internal and published modifications).

Counsyl
Classification: Likely benign for Breast-ovarian cancer, familial, susceptibility to, 2. Last evaluated: 2016-10-27. Review status: no assertion criteria provided. Collection method: clinical testing. Allele origin: unknown. Not counted in ClinVar's aggregate classification.

Breast Cancer Information Core (BIC) (BRCA2)
Classification: Uncertain significance for Breast-ovarian cancer, familial 2. Last evaluated: 2000-06-12. Review status: no assertion criteria provided. Collection method: clinical testing. Allele origin: germline. Affected: yes. Observed: 1 variant allele. Not counted in ClinVar's aggregate classification.

Clinical Genetics DNA and cytogenetics Diagnostics Lab, Erasmus MC, Erasmus Medical Center
Classification: Likely benign. Review status: no assertion criteria provided. Collection method: clinical testing. Allele origin: germline. Affected: yes. Study: VKGL Data-share Consensus. Not counted in ClinVar's aggregate classification.

Clinical Genetics Laboratory, Department of Pathology, Netherlands Cancer Institute
Classification: Likely benign. Review status: no assertion criteria provided. Collection method: clinical testing. Allele origin: germline. Affected: yes. Study: VKGL Data-share Consensus. Not counted in ClinVar's aggregate classification.

Department of Pathology and Laboratory Medicine, Sinai Health System
Classification: Benign for Malignant tumor of breast. Review status: no assertion criteria provided. Collection method: clinical testing. Allele origin: unknown. Affected: yes. Study: The Canadian Open Genetics Repository (COGR). Not counted in ClinVar's aggregate classification.
Comment: The p.Asn372Asn variant was identified in 1 of 762 proband chromosomes (frequency: 0.001) from individuals or families with hereditary breast and ovarian cancer (Fackenthal 2012). The variant was also identified in dbSNP (ID: rs41293473) â€šÃ„ÃºWith uncertain significance alleleâ€šÃ„Ã¹, with a minor allele frequency of 0.0002 (1000 Genomes Project), Clinvitae database, COSMIC 1X, the ClinVar database 5X with conflicting interpretations (2X as likely benign and 3X with uncertain significance), the BIC database (1X with unknown clinical importance), and the Exome Aggregation Consortium (ExAC) database (released Jan 13, 2015) in 2 of 10050 chromosomes (frequency: 0.0002) from a population of African individuals and in 2 of 66314 chromosomes (frequency: 3.02x10-3) from a population of European (Non-Finnish) individuals, although this low number of observations and low frequency is not substantive enough to determine the prevalence of the variant in the general population and its relationship to disease. In addition, in silico or computational prediction software programs (SpliceSiteFinder, MaxEntScan, NNSPLICE, GeneSplicer, HumanSpliceFinder) do not predict a difference in splicing. The p.Asn337Asn variant is not expected to have clinical significance because it does not result in a change of amino acid and is not located in a known consensus splice site. In summary, based on the above information, we lean towards a more benign role for this variant. This variant is classified as benign.

Literature cited by the submitters: PubMed 34296289 (cited by Quest Diagnostics Nichols Institute San Juan Capistrano); PubMed 22034289 (cited by 4 submitters); PubMed 25249249 (cited by Quest Diagnostics Nichols Institute San Juan Capistrano); PubMed 31396961 (cited by Quest Diagnostics Nichols Institute San Juan Capistrano); PubMed 30287823 (cited by Quest Diagnostics Nichols Institute San Juan Capistrano); PubMed 31422574 (cited by Quest Diagnostics Nichols Institute San Juan Capistrano); PubMed 36243179 (cited by Quest Diagnostics Nichols Institute San Juan Capistrano); PubMed 35218119 (cited by Quest Diagnostics Nichols Institute San Juan Capistrano); DOI 10.3389/fgene.2022.834265 (cited by National Health Laboratory Service, Universitas Academic Hospital and University of the Free State).